The following is an entry in ClinVar:

ClinVar aggregate classification (germline): Uncertain significance. Review status: criteria provided, multiple submitters, no conflicts (2 of 4 stars). 3 submissions from 3 submitters: Uncertain significance (3). Last evaluated 2025-10-26.

Conditions:
Inborn genetic diseases. Identifiers: MedGen C0950123, MeSH D030342.
Generalized epilepsy-paroxysmal dyskinesia syndrome (PNKD3). Also called: Generalized epilepsy and paroxysmal dyskinesia; Paroxysmal nonkinesigenic dyskinesia, 3, with or without generalized epilepsy. Identifiers: Orphanet 79137, MedGen C5574945, MONDO:0012276, OMIM 609446.

Allele frequency attached by ClinVar (database versions not stated): ExAC 0.00002; TOPMed 0.00002; gnomAD exomes 0.00003.
gnomAD v4.1: 20 of 1,613,952 alleles (0.0012%); highest among the groups gnomAD compares: Admixed American, 0.0017%; no homozygotes.

Submissions (3):

Labcorp Genetics (formerly Invitae), Labcorp
Classification: Uncertain significance for Generalized epilepsy-paroxysmal dyskinesia syndrome. Last evaluated: 2025-10-26. Review status: criteria provided, single submitter. Criteria: Invitae Variant Classification Sherloc (09022015). Collection method: clinical testing. Allele origin: germline.
Comment: This sequence change replaces aspartic acid, which is acidic and polar, with glutamic acid, which is acidic and polar, at codon 731 of the KCNMA1 protein (p.Asp731Glu). This variant is present in population databases (rs587780363, gnomAD 0.006%). This variant has not been reported in the literature in individuals affected with KCNMA1-related conditions. ClinVar contains an entry for this variant (Variation ID: 129322). Invitae Evidence Modeling of protein sequence and biophysical properties (such as structural, functional, and spatial information, amino acid conservation, physicochemical variation, residue mobility, and thermodynamic stability) indicates that this missense variant is not expected to disrupt KCNMA1 protein function with a negative predictive value of 80%. In summary, the available evidence is currently insufficient to determine the role of this variant in disease. Therefore, it has been classified as a Variant of Uncertain Significance.

Ambry Genetics
Classification: Uncertain significance for Inborn genetic diseases. Last evaluated: 2025-03-06. Review status: criteria provided, single submitter. Criteria: Ambry Variant Classification Scheme 2023. Collection method: clinical testing. Allele origin: germline.

Genetic Services Laboratory, University of Chicago
Classification: Uncertain significance. Last evaluated: 2014-01-15. Review status: criteria provided, single submitter. Criteria: ACMG Guidelines, 2007. Collection method: clinical testing. Allele origin: germline. Inheritance: Autosomal dominant inheritance.

NM_001161352.2(KCNMA1):c.2367C>A (p.Asp789Glu)

Genes: KCNMA1 (potassium calcium-activated channel subfamily M alpha 1; minus strand), KCNMA1-AS1 (KCNMA1 antisense RNA 1; plus strand). Cytogenetic location: 10q22.3.
Variant type: single nucleotide variant.
Coding change: c.2367C>A on transcript NM_001161352.2 (MANE Select); coding-DNA position 2367, C replaced by A.
Protein change: p.Asp789Glu; replaces aspartic acid 789 with glutamic acid.
Molecular consequence: missense variant.
Genome position (GRCh38, 1-based): chr10:76,953,918, G>T on the plus strand (C>A on the coding strand, the complement: KCNMA1 is on the minus strand). VCF-style: chr10-76953918-G-T. GRCh37 (hg19) VCF-style: chr10-78713676-G-T.
Other names: c.2205C>A, p.Asp735Glu (NM_001014797.3, NM_001322835.2, NM_001322837.2); c.2193C>A, p.Asp731Glu (NM_001161353.2, NM_001322832.2, NM_002247.4); c.2043C>A, p.Asp681Glu (NM_001271518.2); c.2202C>A, p.Asp734Glu (NM_001271519.2, NM_001322829.2, NM_001322836.2); c.2214C>A, p.Asp738Glu (NM_001322830.2); c.1740C>A, p.Asp580Glu (NM_001322838.2); short protein forms D735E, D731E, D580E, D681E, D734E, D789E, D738E.
Identifiers: ClinVar variation 129322 (VCV000129322.15), dbSNP rs587780363, ClinGen allele CA231186.